The following is an entry in ClinVar:

NM_014467.3(SRPX2):c.1276A>G (p.Ile426Val)

Gene: SRPX2 (sushi repeat containing protein X-linked 2; plus strand). Cytogenetic location: Xq22.1.
Variant type: single nucleotide variant.
Coding change: c.1276A>G on transcript NM_014467.3 (MANE Select); coding-DNA position 1276, A replaced by G.
Protein change: p.Ile426Val; replaces isoleucine 426 with valine.
Molecular consequence: missense variant.
Genome position (GRCh38, 1-based): chrX:100,670,865, A>G. VCF-style: chrX-100670865-A-G. GRCh37 (hg19) VCF-style: chrX-99925862-A-G.
Other names: short protein forms I426V.
Identifiers: ClinVar variation 940180 (VCV000940180.7), dbSNP rs756623285, ClinGen allele CA10469693.

ClinVar aggregate classification (germline): Uncertain significance. Review status: criteria provided, multiple submitters, no conflicts (2 of 4 stars). 2 submissions from 2 submitters: Uncertain significance (2). Last evaluated 2025-01-26.

Conditions:
Rolandic epilepsy, impaired intellectual development, and speech dyspraxia, X-linked. Also called: Rolandic epilepsy, intellectual disability, and speech dyspraxia, X-linked; Rolandic epilepsy, impaired intellectual development, and speech dyspraxia. Identifiers: MedGen C1845070, MONDO:0010388, OMIM 300643.

Allele frequency attached by ClinVar (database versions not stated): gnomAD 0.00002; gnomAD exomes 0.00001 and 0.00003; TOPMed 0.00004; ExAC 0.00005.
gnomAD v4.1: 7 of 1,209,495 alleles (0.00058%); highest among the groups gnomAD compares: Admixed American, 0.0066%; no homozygotes.

Submissions (2):

Ambry Genetics
Classification: Uncertain significance. Last evaluated: 2025-01-26. Review status: criteria provided, single submitter. Criteria: Ambry Variant Classification Scheme 2023. Collection method: clinical testing. Allele origin: germline.

Labcorp Genetics (formerly Invitae), Labcorp
Classification: Uncertain significance for Rolandic epilepsy, impaired intellectual development, and speech dyspraxia, X-linked. Last evaluated: 2021-08-20. Review status: criteria provided, single submitter. Criteria: Invitae Variant Classification Sherloc (09022015). Collection method: clinical testing. Allele origin: germline.
Comment: This sequence change replaces isoleucine with valine at codon 426 of the SRPX2 protein (p.Ile426Val). The isoleucine residue is moderately conserved and there is a small physicochemical difference between isoleucine and valine. This variant is present in population databases (rs756623285, ExAC 0.02%). This variant has not been reported in the literature in individuals affected with SRPX2-related conditions. Algorithms developed to predict the effect of missense changes on protein structure and function output the following: SIFT: "Tolerated"; PolyPhen-2: "Benign"; Align-GVGD: "Class C0". The valine amino acid residue is found in multiple mammalian species, which suggests that this missense change does not adversely affect protein function. In summary, the available evidence is currently insufficient to determine the role of this variant in disease. Therefore, it has been classified as a Variant of Uncertain Significance.